The following is an entry in ClinVar:

ClinVar aggregate classification (germline): Uncertain significance (1 of 4 stars; one submission).

Submission:

GeneDx
Classification: Uncertain significance. Last evaluated: 2023-10-05. Review status: criteria provided, single submitter. Criteria: GeneDx Variant Classification Process June 2021. Collection method: clinical testing. Allele origin: germline. Affected: yes.
Comment: Not observed at significant frequency in large population cohorts (gnomAD); In silico analysis supports that this missense variant does not alter protein structure/function; Has not been previously published as pathogenic or benign to our knowledge

NM_000883.4(IMPDH1):c.133T>A (p.Tyr45Asn)

Genes: IMPDH1 (inosine monophosphate dehydrogenase 1; minus strand), LOC129999258 (ATAC-STARR-seq lymphoblastoid silent region 18606; plus strand). Cytogenetic location: 7q32.1.
Variant type: single nucleotide variant.
Coding change: c.133T>A on transcript NM_000883.4 (MANE Select); coding-DNA position 133, T replaced by A.
Protein change: p.Tyr45Asn; replaces tyrosine 45 with asparagine.
Molecular consequence: missense variant.
Genome position (GRCh38, 1-based): chr7:128,409,769, A>T on the plus strand (T>A on the coding strand, the complement: IMPDH1 is on the minus strand). VCF-style: chr7-128409769-A-T. GRCh37 (hg19) VCF-style: chr7-128049823-A-T.
Other names: c.133T>A, p.Tyr45Asn (NM_001102605.2, NM_001142576.2, NM_001304521.2 and 1 more transcripts); short protein forms Y45N.
Identifiers: ClinVar variation 3252792 (VCV003252792.1), dbSNP rs1468478698.